The following is an entry in ClinVar:

ClinVar aggregate classification (germline): Uncertain significance (1 of 4 stars; one submission).

Conditions:
Emery-Dreifuss muscular dystrophy 5, autosomal dominant (EDMD5). Also called: EMERY-DREIFUSS MUSCULAR DYSTROPHY 5. Identifiers: Orphanet 261, MedGen C2751805, MONDO:0013072, OMIM 612999.

Submission:

Labcorp Genetics (formerly Invitae), Labcorp
Classification: Uncertain significance for Emery-Dreifuss muscular dystrophy 5, autosomal dominant. Last evaluated: 2023-09-20. Review status: criteria provided, single submitter. Criteria: Invitae Variant Classification Sherloc (09022015). Collection method: clinical testing. Allele origin: germline.
Comment: In summary, the available evidence is currently insufficient to determine the role of this variant in disease. Therefore, it has been classified as a Variant of Uncertain Significance. This variant has not been reported in the literature in individuals affected with SYNE2-related conditions. This variant is not present in population databases (gnomAD no frequency). This sequence change creates a premature translational stop signal (p.Gln414*) in the SYNE2 gene. It is expected to result in an absent or disrupted protein product. However, the current clinical and genetic evidence is not sufficient to establish whether loss-of-function variants in SYNE2 cause disease.

NM_182914.3(SYNE2):c.1240C>T (p.Gln414Ter)

Gene: SYNE2 (spectrin repeat containing nuclear envelope protein 2; plus strand). Cytogenetic location: 14q23.2.
Variant type: single nucleotide variant.
Coding change: c.1240C>T on transcript NM_182914.3 (MANE Select); coding-DNA position 1240, C replaced by T.
Protein change: p.Gln414Ter; replaces glutamine 414 with a stop codon.
Molecular consequence: nonsense.
Genome position (GRCh38, 1-based): chr14:63,976,674, C>T. VCF-style: chr14-63976674-C-T. GRCh37 (hg19) VCF-style: chr14-64443392-C-T.
Other names: c.1240C>T, p.Gln414Ter (NM_015180.6); short protein forms Q414*.
Identifiers: ClinVar variation 3009206 (VCV003009206.3), dbSNP rs2550828786, ClinGen allele CA389955388.